The following is an entry in ClinVar:

NM_032776.3(JMJD1C):c.2258C>T (p.Thr753Ile)

Gene: JMJD1C (jumonji domain containing 1C; minus strand). Cytogenetic location: 10q21.3.
Variant type: single nucleotide variant.
Coding change: c.2258C>T on transcript NM_032776.3 (MANE Select); coding-DNA position 2258, C replaced by T.
Protein change: p.Thr753Ile; replaces threonine 753 with isoleucine.
Molecular consequence: missense variant. On other transcripts: non-coding transcript variant (1).
Genome position (GRCh38, 1-based): chr10:63,213,909, G>A on the plus strand (C>T on the coding strand, the complement: JMJD1C is on the minus strand). VCF-style: chr10-63213909-G-A. GRCh37 (hg19) VCF-style: chr10-64973669-G-A.
Other names: c.1712C>T, p.Thr571Ile (NM_001282948.2, NM_001318154.2); c.1394C>T, p.Thr465Ile (NM_001318153.2); c.2144C>T, p.Thr715Ile (NM_001322252.2); c.1601C>T, p.Thr534Ile (NM_001322254.2, NM_001322258.2); short protein forms T715I, T465I, T753I, T534I, T571I.
Identifiers: ClinVar variation 3652975 (VCV003652975.2).

ClinVar aggregate classification (germline): Uncertain significance (1 of 4 stars; one submission).

Conditions:
Early Myoclonic Encephalopathy. Identifiers: MedGen C0270855.

gnomAD v4.1: 1 of 1,614,168 alleles (0.000062%); highest among the groups gnomAD compares: South Asian, 0.0011%; no homozygotes.

Submission:

Labcorp Genetics (formerly Invitae), Labcorp
Classification: Uncertain significance for Early Myoclonic Encephalopathy. Last evaluated: 2024-08-31. Review status: criteria provided, single submitter. Criteria: Invitae Variant Classification Sherloc (09022015). Collection method: clinical testing. Allele origin: germline.
Comment: This sequence change replaces threonine, which is neutral and polar, with isoleucine, which is neutral and non-polar, at codon 753 of the JMJD1C protein (p.Thr753Ile). This variant is present in population databases (rs752049833, gnomAD 0.003%). This variant has not been reported in the literature in individuals affected with JMJD1C-related conditions. Invitae Evidence Modeling of protein sequence and biophysical properties (such as structural, functional, and spatial information, amino acid conservation, physicochemical variation, residue mobility, and thermodynamic stability) indicates that this missense variant is expected to disrupt JMJD1C protein function with a positive predictive value of 80%. In summary, the available evidence is currently insufficient to determine the role of this variant in disease. Therefore, it has been classified as a Variant of Uncertain Significance.